The following is an entry in ClinVar:

NM_001003694.2(BRPF1):c.883_884del (p.Met295fs)

Gene: BRPF1 (bromodomain and PHD finger containing 1; plus strand). Cytogenetic location: 3p25.3.
Variant type: Deletion.
Coding change: c.883_884del on transcript NM_001003694.2 (MANE Select); coding-DNA positions 883 to 884, 2 bases deleted (AT; older notation c.883_884delAT).
Protein change: p.Met295fs; shifts the reading frame from methionine 295.
Molecular consequence: frameshift variant. On other transcripts: non-coding transcript variant (1).
Genome position (GRCh38, 1-based): chr3:9,739,282-9,739,283, AT deleted. VCF-style (leftmost placement, unchanged base first): chr3-9739281-CAT-C. GRCh37 (hg19) VCF-style: chr3-9780965-CAT-C.
Other names: c.883_884del, p.Met295fs (NM_001319049.2, NM_001319050.2, NM_004634.3); c.883_884delAT, p.Met295Valfs (NM_001410704.1); c.883_884delAT (NM_001003694.1); short protein forms M295fs.
Identifiers: ClinVar variation 1706236 (VCV001706236.8), dbSNP rs2471470636, ClinGen allele CA2580070615.

ClinVar aggregate classification (germline): Pathogenic/Likely pathogenic. Review status: criteria provided, multiple submitters, no conflicts (2 of 4 stars). 4 submissions from 4 submitters: Pathogenic (3); Likely pathogenic (1). Last evaluated 2026-01-09.

Conditions:
Intellectual developmental disorder with dysmorphic facies and ptosis (IDDDFP). Identifiers: Orphanet 698090, MedGen C4310617, MONDO:0015022, OMIM 617333.
BRPF1-related neurodevelopmental disorder.
Inborn genetic diseases. Identifiers: MedGen C0950123, MeSH D030342.

Submissions (4):

GeneDx
Classification: Likely pathogenic. Last evaluated: 2026-01-09. Review status: criteria provided, single submitter. Criteria: GeneDx Variant Classification Process June 2021. Collection method: clinical testing. Allele origin: germline.
Comment: Frameshift variant predicted to result in protein truncation or nonsense mediated decay in a gene for which loss of function is a known mechanism of disease; Not observed at significant frequency in large population cohorts (gnomAD); This variant is associated with the following publications: (PMID: 32010779, 38346666)

3billion
Classification: Pathogenic for Intellectual developmental disorder with dysmorphic facies and ptosis. Last evaluated: 2025-12-10. Review status: criteria provided, single submitter. Criteria: ACMG Guidelines, 2015. Collection method: clinical testing. Allele origin: germline. Affected: yes.
Comment: The variant is not observed in the gnomAD v4.1.0 dataset. Predicted Consequence/Location: Frameshift: predicted to result in a loss or disruption of normal protein function through nonsense-mediated decay (NMD) or protein truncation. Multiple pathogenic variants are reported downstream of the variant. The variant has been previously reported as de novo in a similarly affected individual (PMID: 32010779). The variant has been reported at least twice as pathogenic without evidence for the classification (ClinVar ID: VCV001706236 /PMID: 32010779). Therefore, this variant is classified as Pathogenic according to the recommendation of ACMG/AMP guideline.

Division of Genetic & Genomic Pathology, Hong Kong Children's Hospital
Classification: Pathogenic for BRPF1-related neurodevelopmental disorder. Last evaluated: 2025-03-19. Review status: criteria provided, single submitter. Criteria: ACMG Guidelines, 2015. Collection method: clinical testing. Allele origin: germline. Affected: yes.
Comment: BRPF1 c.883_884del p.(Met295Valfs*17) is a 2bp deletion located in exon 3 (out of 14 exons) of the gene. It causes a frameshift and creates a premature stop codon, which is predicted to cause loss of normal protein function either by protein truncation or nonsense-mediated mRNA decay. Haploinsufficiency is the established disease mechanism for BRPF1 (ClinGen Dosage ID: ISCA-14379; HI Score=3). The variant is absent in population control databases (gnomAD v4.1.0). It has been reported as pathogenic by two submitters in ClinVar (VCV001706236.5) and a mother-daughter pair with variable clinical features (PMID: 32010779). For these reasons, BRPF1 c.883_884del p.(Met295Valfs*17) is classified as pathogenic.

Ambry Genetics
Classification: Pathogenic for Inborn genetic diseases. Last evaluated: 2021-07-02. Review status: criteria provided, single submitter. Criteria: Ambry Variant Classification Scheme 2023. Collection method: clinical testing. Allele origin: germline.
Comment: The c.883_884delAT (p.M295Vfs*17) alteration, located in exon 3 (coding exon 2) of the BRPF1 gene, consists of a deletion of 2 nucleotides from position 883 to 884, causing a translational frameshift with a predicted alternate stop codon after 17 amino acids. Frameshift alterations are typically deleterious in nature. This alteration is expected to result in loss of function by premature protein truncation or nonsense-mediated mRNA decay. Based on data from the Genome Aggregation Database (gnomAD), the BRPF1 c.883_884delAT alteration was not observed, with coverage at this position. This alteration was maternally inherited in a patient with gross motor delay, language delay, hypotonia, facial dysmorphisms (including broad and high forehead, micrognathia, blepharophimosis, epicanthus, and telecanthus), long thumbs, broad distal phalanges, and long first toes. The variant was de novo in the mother, who had similar clinical features (Yan, 2020). Based on the available evidence, this alteration is classified as pathogenic.

Literature cited by the submitters: PubMed 32010779 (cited by 3billion and Division of Genetic & Genomic Pathology, Hong Kong Children's Hospital).